The following is an entry in ClinVar:

NM_003001.5(SDHC):c.16C>T (p.Leu6=)

Gene: SDHC (succinate dehydrogenase complex subunit C; plus strand). Cytogenetic location: 1q23.3.
Variant type: single nucleotide variant.
Coding change: c.16C>T on transcript NM_003001.5 (MANE Select); coding-DNA position 16, C replaced by T.
Protein change: p.Leu6=; no amino-acid change (leucine 6 retained).
Molecular consequence: synonymous variant. On other transcripts: 5 prime UTR variant (2), non-coding transcript variant (1).
Genome position (GRCh38, 1-based): chr1:161,314,421, C>T. VCF-style: chr1-161314421-C-T. GRCh37 (hg19) VCF-style: chr1-161284211-C-T.
Other names: c.16C>T, p.Leu6= (NM_001035511.3, NM_001035512.3, NM_001035513.3 and 6 more transcripts); c.-545C>T (NM_001407119.1); c.-214C>T (NM_001407120.1).
Identifiers: ClinVar variation 3904405 (VCV003904405.2).

ClinVar aggregate classification (germline): Benign/Likely benign. Review status: criteria provided, multiple submitters, no conflicts (2 of 4 stars). 2 submissions from 2 submitters: Benign (1); Likely benign (1). Last evaluated 2026-04-12.

Conditions:
Hereditary cancer-predisposing syndrome. Also called: Tumor predisposition; Neoplastic Syndromes, Hereditary; Hereditary neoplastic syndrome; Hereditary Cancer Syndrome. Identifiers: Orphanet 140162, MedGen C0027672, MeSH D009386, MONDO:0015356.
Pheochromocytoma/paraganglioma syndrome 3. Also called: GLOMUS TUMORS, FAMILIAL, 3; Paragangliomas 3; SDHC-Related Hereditary Paraganglioma-Pheochromocytoma Syndrome (Paragangliomas 3); SDHC-Related Hereditary Paraganglioma-Pheochromocytoma Syndrome. Identifiers: Orphanet 29072, MedGen C1854336, MONDO:0011544, OMIM 605373.

Submissions (2):

Ambry Genetics
Classification: Likely benign for Hereditary cancer-predisposing syndrome. Last evaluated: 2026-04-12. Review status: criteria provided, single submitter. Criteria: Ambry Variant Classification Scheme 2023. Collection method: clinical testing. Allele origin: germline.

Myriad Genetics, Inc.
Classification: Benign for Pheochromocytoma/paraganglioma syndrome 3. Last evaluated: 2025-03-13. Review status: criteria provided, single submitter. Criteria: Myriad Autosomal Dominant, Autosomal Recessive and X-Linked Classification Criteria (2023). Collection method: clinical testing. Allele origin: unknown.
Comment: This variant is considered benign. This variant is a silent/synonymous amino acid change and it is not expected to impact splicing.